The following is an entry in ClinVar:

NM_001163809.2(WDR81):c.5411G>T (p.Gly1804Val)

Gene: WDR81 (WD repeat domain 81; plus strand). Cytogenetic location: 17p13.3.
Variant type: single nucleotide variant.
Coding change: c.5411G>T on transcript NM_001163809.2 (MANE Select); coding-DNA position 5411, G replaced by T.
Protein change: p.Gly1804Val; replaces glycine 1804 with valine.
Molecular consequence: missense variant.
Genome position (GRCh38, 1-based): chr17:1,736,124, G>T. VCF-style: chr17-1736124-G-T. GRCh37 (hg19) VCF-style: chr17-1639418-G-T.
Other names: c.1802G>T, p.Gly601Val (NM_001163673.2); c.1730G>T, p.Gly577Val (NM_001163811.2); c.2258G>T, p.Gly753Val (NM_152348.4); short protein forms G1804V, G577V, G601V, G753V.
Identifiers: ClinVar variation 2500760 (VCV002500760.5), dbSNP rs1353464242, ClinGen allele CA397549315.

ClinVar aggregate classification (germline): Likely pathogenic (1 of 4 stars; one submission).

Conditions:
Cerebellar ataxia, impaired intellectual development, and dysequilibrium syndrome 2. Also called: Cerebellar ataxia, intellectual disability, and dysequilibrium syndrome 2; CEREBELLAR ATAXIA, MENTAL RETARDATION, AND DYSEQUILIBRIUM SYNDROME 2; CEREBELLAR ATAXIA AND MENTAL RETARDATION WITH OR WITHOUT QUADRUPEDAL LOCOMOTION 2. Identifiers: Orphanet 1766, MedGen C2750234, MONDO:0012430, OMIM 610185.

Allele frequency attached by ClinVar (database versions not stated): gnomAD exomes below 0.00001.

Submission:

Victorian Clinical Genetics Services, Murdoch Childrens Research Institute
Classification: Likely pathogenic for Cerebellar ataxia, impaired intellectual development, and dysequilibrium syndrome 2. Last evaluated: 2025-10-07. Review status: criteria provided, single submitter. Criteria: ACMG Guidelines, 2015. Collection method: clinical testing. Allele origin: germline. Affected: yes.
Comment: This variant is classified as Likely pathogenic. Evidence in support of pathogenic classification: Variant is present in gnomAD <0.01 for a recessive condition (v2: 1 heterozygote, 0 homozygotes); Missense variant consistently predicted to be damaging by multiple in silico tools or highly conserved with a major amino acid change; Strong phenotype match for this individual. Additional information: Variant is predicted to result in a missense amino acid change from glycine to valine; This variant is heterozygous; This gene is associated with autosomal recessive disease; An alternative amino acid change at the same position has been observed in gnomAD (v2: 4 heterozygotes, 0 homozygotes); This variant has no previous evidence of pathogenicity; No published segregation evidence has been identified for this variant; No published functional evidence has been identified for this variant; No comparable missense variants have previous evidence for pathogenicity; Variant is located in the annotated WD40 repeat domain (NCBI Conserved Domain); Loss of function is a known mechanism of disease in this gene and is associated with cerebellar ataxia, intellectual disability, and dysequilibrium syndrome 2 (MIM#610185) and hydrocephalus, congenital, 3, with brain anomalies (MIM#617967).